The following is an entry in ClinVar:

ClinVar aggregate classification (germline): Pathogenic. Review status: criteria provided, single submitter (1 of 4 stars). 2 submissions from 2 submitters: Pathogenic (1). 1 of the submissions does not count toward it. Last evaluated 2022-07-01.

Conditions:
Pontocerebellar hypoplasia, type 1E. Identifiers: MedGen C5543328, MONDO:0030260, OMIM 619303.

Submissions (2):

GeneDx
Classification: Pathogenic. Last evaluated: 2022-07-01. Review status: criteria provided, single submitter. Criteria: GeneDx Variant Classification Process June 2021. Collection method: clinical testing. Allele origin: germline. Affected: yes.
Comment: Published in vitro functional studies showed that the p.(P333L) variant causes fast turnover of SLC25A46 (Steffen et al., 2017); In silico analysis supports that this missense variant has a deleterious effect on protein structure/function; Not observed at significant frequency in large population cohorts (gnomAD); This variant is associated with the following publications: (PMID: 28653766, 28057766, 26168012)

OMIM
Classification: Pathogenic for PONTOCEREBELLAR HYPOPLASIA, TYPE 1E. Last evaluated: 2021-05-06. Review status: no assertion criteria provided. Collection method: literature only. Allele origin: germline. Not counted in ClinVar's aggregate classification.

Literature cited by the submitters: PubMed 26168012 (cited by OMIM).

NM_138773.4(SLC25A46):c.998C>T (p.Pro333Leu)

Gene: SLC25A46 (solute carrier family 25 member 46; plus strand). Cytogenetic location: 5q22.1.
Variant type: single nucleotide variant.
Coding change: c.998C>T on transcript NM_138773.4 (MANE Select); coding-DNA position 998, C replaced by T.
Protein change: p.Pro333Leu; replaces proline 333 with leucine.
Molecular consequence: missense variant. On other transcripts: non-coding transcript variant (1).
Genome position (GRCh38, 1-based): chr5:110,761,523, C>T. VCF-style: chr5-110761523-C-T. GRCh37 (hg19) VCF-style: chr5-110097223-C-T.
Other names: c.755C>T, p.Pro252Leu (NM_001303249.3); c.725C>T, p.Pro242Leu (NM_001303250.3); short protein forms P333L, P252L, P242L.
Identifiers: ClinVar variation 372241 (VCV000372241.4), dbSNP rs1057518750, ClinGen allele CA16042259.